The following is an entry in ClinVar:

ClinVar aggregate classification (germline): Uncertain significance (1 of 4 stars; one submission).

Allele frequency attached by ClinVar (database versions not stated): gnomAD exomes below 0.00001.
gnomAD v4.1: 1 of 1,614,148 alleles (0.000062%); highest among the groups gnomAD compares: Admixed American, 0.0017%; no homozygotes.

Submission:

Labcorp Genetics (formerly Invitae), Labcorp
Classification: Uncertain significance. Last evaluated: 2021-10-28. Review status: criteria provided, single submitter. Criteria: Invitae Variant Classification Sherloc (09022015). Collection method: clinical testing. Allele origin: germline.
Comment: This sequence change replaces cysteine, which is neutral and slightly polar, with arginine, which is basic and polar, at codon 408 of the TRAF3IP1 protein (p.Cys408Arg). This variant is present in population databases (rs760337420, gnomAD 0.003%). This variant has not been reported in the literature in individuals affected with TRAF3IP1-related conditions. Algorithms developed to predict the effect of missense changes on protein structure and function output the following: SIFT: "Tolerated"; PolyPhen-2: "Benign"; Align-GVGD: "Class C0". The arginine amino acid residue is found in multiple mammalian species, which suggests that this missense change does not adversely affect protein function. In summary, the available evidence is currently insufficient to determine the role of this variant in disease. Therefore, it has been classified as a Variant of Uncertain Significance.

NM_015650.4(TRAF3IP1):c.1222T>C (p.Cys408Arg)

Gene: TRAF3IP1 (TRAF3 interacting protein 1; plus strand). Cytogenetic location: 2q37.3.
Variant type: single nucleotide variant.
Coding change: c.1222T>C on transcript NM_015650.4 (MANE Select); coding-DNA position 1222, T replaced by C.
Protein change: p.Cys408Arg; replaces cysteine 408 with arginine.
Molecular consequence: missense variant. On other transcripts: intron variant (1).
Genome position (GRCh38, 1-based): chr2:238,344,559, T>C. VCF-style: chr2-238344559-T-C. GRCh37 (hg19) VCF-style: chr2-239253200-T-C.
Other names: c.1064-2896T>C (NM_001139490.1); short protein forms C408R.
Identifiers: ClinVar variation 1446066 (VCV001446066.3), dbSNP rs760337420, ClinGen allele CA67992724.